The following is an entry in ClinVar:

ClinVar aggregate classification (germline): Conflicting classifications of pathogenicity. Review status: criteria provided, conflicting classifications (1 of 4 stars). 6 submissions from 6 submitters: Uncertain significance (5); Likely benign (1). Last evaluated 2026-04-16.

Conditions:
Hereditary cancer-predisposing syndrome. Also called: Tumor predisposition; Neoplastic Syndromes, Hereditary; Hereditary Cancer Syndrome; Hereditary neoplastic syndrome. Identifiers: Orphanet 140162, MedGen C0027672, MeSH D009386, MONDO:0015356.
Hereditary breast ovarian cancer syndrome. Also called: Hereditary breast and ovarian cancer; BRCA1- and BRCA2-Associated Hereditary Breast and Ovarian Cancer; Hereditary breast and ovarian cancer syndrome; Hereditary breast and ovarian cancer syndrome (HBOC); Hereditary breast and/or ovarian cancer syndrome; Breast and ovarian cancer. Identifiers: Orphanet 145, MedGen C0677776, MeSH D061325, MONDO:0003582. Disease mechanism: loss of function.

Submissions (6):

GeneDx
Classification: Uncertain significance. Last evaluated: 2026-04-16. Review status: criteria provided, single submitter. Criteria: GeneDx Variant Classification Process June 2021. Collection method: clinical testing. Allele origin: germline.
Comment: Not observed at significant frequency in large population cohorts (gnomAD); In silico analysis supports that this missense variant has a deleterious effect on protein structure/function; Has not been previously published as pathogenic or benign to our knowledge; Also known as 5213C>T

Ambry Genetics
Classification: Uncertain significance for Hereditary cancer-predisposing syndrome. Last evaluated: 2023-09-24. Review status: criteria provided, single submitter. Criteria: Ambry Variant Classification Scheme 2023. Collection method: clinical testing. Allele origin: germline.
Comment: The p.S1662L variant (also known as c.4985C>T), located in coding exon 10 of the BRCA2 gene, results from a C to T substitution at nucleotide position 4985. The serine at codon 1662 is replaced by leucine, an amino acid with dissimilar properties. This amino acid position is not well conserved in available vertebrate species. In addition, this alteration is predicted to be tolerated by in silico analysis. Since supporting evidence is limited at this time, the clinical significance of this alteration remains unclear.

University of Washington Department of Laboratory Medicine, University of Washington
Classification: Likely benign for Hereditary cancer-predisposing syndrome. Last evaluated: 2023-03-23. Review status: criteria provided, single submitter. Criteria: Dines et al. (Genet Med. 2020). Collection method: curation. Allele origin: germline.
Comment: Missense variant in a coldspot region where missense variants are very unlikely to be pathogenic (PMID:31911673).

BRCA2 exon 11 coldspot. Reclassification based on statistical prior probability.

Labcorp Genetics (formerly Invitae), Labcorp
Classification: Uncertain significance for Hereditary breast ovarian cancer syndrome. Last evaluated: 2021-03-24. Review status: criteria provided, single submitter. Criteria: Invitae Variant Classification Sherloc (09022015). Collection method: clinical testing. Allele origin: germline.
Comment: In summary, the available evidence is currently insufficient to determine the role of this variant in disease. Therefore, it has been classified as a Variant of Uncertain Significance. Advanced modeling of protein sequence and biophysical properties (such as structural, functional, and spatial information, amino acid conservation, physicochemical variation, residue mobility, and thermodynamic stability) performed at Invitae indicates that this missense variant is not expected to disrupt BRCA2 protein function. This sequence change replaces serine with leucine at codon 1662 of the BRCA2 protein (p.Ser1662Leu). The serine residue is weakly conserved and there is a large physicochemical difference between serine and leucine. This variant has not been reported in the literature in individuals with BRCA2-related conditions. ClinVar contains an entry for this variant (Variation ID: 438985). This variant is not present in population databases (ExAC no frequency).

Color Diagnostics, LLC DBA Color Health
Classification: Uncertain significance for Hereditary cancer-predisposing syndrome. Last evaluated: 2019-04-21. Review status: criteria provided, single submitter. Criteria: ACMG Guidelines, 2015. Collection method: clinical testing. Allele origin: germline.

Quest Diagnostics Nichols Institute San Juan Capistrano
Classification: Uncertain significance. Last evaluated: 2017-03-06. Review status: criteria provided, single submitter. Criteria: Quest Diagnostics criteria. Collection method: clinical testing. Allele origin: germline.

NM_000059.4(BRCA2):c.4985C>T (p.Ser1662Leu)

Gene: BRCA2 (BRCA2 DNA repair associated; plus strand). Cytogenetic location: 13q13.1.
Variant type: single nucleotide variant.
Coding change: c.4985C>T on transcript NM_000059.4 (MANE Select); coding-DNA position 4985, C replaced by T.
Protein change: p.Ser1662Leu; replaces serine 1662 with leucine.
Molecular consequence: missense variant.
Genome position (GRCh38, 1-based): chr13:32,339,340, C>T. VCF-style: chr13-32339340-C-T. GRCh37 (hg19) VCF-style: chr13-32913477-C-T.
Other names: short protein forms S1662L.
Identifiers: ClinVar variation 438985 (VCV000438985.16), dbSNP rs886040559, ClinGen allele CA387783879.